The following is an entry in ClinVar:

NM_004628.5(XPC):c.1443G>T (p.Lys481Asn)

Gene: XPC (XPC complex subunit, DNA damage recognition and repair factor; minus strand). Cytogenetic location: 3p25.1.
Variant type: single nucleotide variant.
Coding change: c.1443G>T on transcript NM_004628.5 (MANE Select); coding-DNA position 1443, G replaced by T.
Protein change: p.Lys481Asn; replaces lysine 481 with asparagine.
Molecular consequence: missense variant. On other transcripts: non-coding transcript variant (2).
Genome position (GRCh38, 1-based): chr3:14,158,440, C>A on the plus strand (G>T on the coding strand, the complement: XPC is on the minus strand). VCF-style: chr3-14158440-C-A. GRCh37 (hg19) VCF-style: chr3-14199940-C-A.
Other names: p.Lys481Asn; c.864G>T, p.Lys288Asn (NM_001354726.2); c.1443G>T, p.Lys481Asn (NM_001354727.2, NM_001354730.2); c.1425G>T, p.Lys475Asn (NM_001354729.2); short protein forms K481N, K475N, K288N.
Identifiers: ClinVar variation 259466 (VCV000259466.47), dbSNP rs182616621, ClinGen allele CA2267435.

ClinVar aggregate classification (germline): Benign/Likely benign. Review status: criteria provided, multiple submitters, no conflicts (2 of 4 stars). 8 submissions from 8 submitters: Benign (4); Likely benign (4). Last evaluated 2026-08-01.

Conditions:
Xeroderma pigmentosum, group C (XPC). Also called: XERODERMA PIGMENTOSUM III; XP, GROUP C; XPC-Related Xeroderma Pigmentosum; Xeroderma pigmentosum, complementation group C. Identifiers: Orphanet 910, MedGen C2752147, MONDO:0010211, OMIM 278720.

Allele frequency attached by ClinVar (database versions not stated): 1000 Genomes Project 30x 0.00172; TOPMed 0.00186; 1000 Genomes Project 0.00220; ESP Exome Variant Server 0.00282; gnomAD exomes 0.00306 and 0.00440; ExAC 0.00408; gnomAD 0.00437 and 0.00456.
gnomAD v4.1: 5,089 of 1,613,764 alleles (0.32%); highest among the groups gnomAD compares: Non-Finnish European, 0.27%; 47 homozygotes.

Submissions (8):

CeGaT Center for Human Genetics Tuebingen
Classification: Likely benign. Last evaluated: 2026-08-01. Review status: criteria provided, single submitter. Criteria: CeGaT Center For Human Genetics Tuebingen Variant Classification Criteria Version 2. Collection method: clinical testing. Allele origin: germline. Affected: yes. Observed: 82 variant alleles.
Comment: XPC: BP4, BS2

Labcorp Genetics (formerly Invitae), Labcorp
Classification: Benign. Last evaluated: 2026-02-02. Review status: criteria provided, single submitter. Criteria: Invitae Variant Classification Sherloc (09022015). Collection method: clinical testing. Allele origin: germline.

GeneDx
Classification: Likely benign. Last evaluated: 2022-06-24. Review status: criteria provided, single submitter. Criteria: GeneDx Variant Classification Process June 2021. Collection method: clinical testing. Allele origin: germline. Affected: yes.
Comment: See Variant Classification Assertion Criteria.

Genome-Nilou Lab
Classification: Benign for Xeroderma pigmentosum, group C. Last evaluated: 2021-12-05. Review status: criteria provided, single submitter. Criteria: ACMG Guidelines, 2015. Collection method: clinical testing. Allele origin: germline. Affected: no.

Illumina Laboratory Services, Illumina
Classification: Likely benign for Xeroderma pigmentosum, group C. Last evaluated: 2018-01-13. Review status: criteria provided, single submitter. Criteria: ICSL Variant Classification Criteria 13 December 2019. Collection method: clinical testing. Allele origin: germline.
Comment: This variant was observed in the ICSL laboratory as part of a predisposition screen in an ostensibly healthy population. It had not been previously curated by ICSL or reported in the Human Gene Mutation Database (HGMD: prior to June 1st, 2018), and was therefore a candidate for classification through an automated scoring system. Utilizing variant allele frequency, disease prevalence and penetrance estimates, and inheritance mode, an automated score was calculated to assess if this variant is too frequent to cause the disease. Based on the score and internal cut-off values, a variant classified as likely benign is not then subjected to further curation. The score for this variant resulted in a classification of likely benign for this disease.

Mayo Clinic Laboratories, Mayo Clinic
Classification: Benign. Last evaluated: 2016-08-29. Review status: criteria provided, single submitter. Criteria: ACMG Guidelines, 2015. Collection method: clinical testing. Allele origin: germline. Observed: 5 variant alleles.

Breakthrough Genomics
Classification: Likely benign. Review status: criteria provided, single submitter. Criteria: ACMG Guidelines, 2015. Collection method: not provided. Allele origin: germline. Inheritance: Autosomal recessive inheritance. Affected: yes.

PreventionGenetics, part of Exact Sciences
Classification: Benign. Review status: criteria provided, single submitter. Criteria: ACMG Guidelines, 2015. Collection method: clinical testing. Allele origin: germline.